The following is an entry in ClinVar:

ClinVar aggregate classification (germline): Uncertain significance (1 of 4 stars; one submission).

Conditions:
Inborn genetic diseases. Identifiers: MedGen C0950123, MeSH D030342.

Allele frequency attached by ClinVar (database versions not stated): gnomAD exomes below 0.00001.
gnomAD v4.1: 2 of 1,614,132 alleles (0.00012%); highest among the groups gnomAD compares: Non-Finnish European, 0.00017%; no homozygotes.

Submission:

Ambry Genetics
Classification: Uncertain significance for Inborn genetic diseases. Last evaluated: 2020-02-25. Review status: criteria provided, single submitter. Criteria: Ambry Variant Classification Scheme 2023. Collection method: clinical testing. Allele origin: germline.
Comment: The p.K493Q variant (also known as c.1477A>C), located in coding exon 20 of the DEPDC5 gene, results from an A to C substitution at nucleotide position 1477. The lysine at codon 493 is replaced by glutamine, an amino acid with similar properties. This amino acid position is highly conserved in available vertebrate species. In addition, this alteration is predicted to be tolerated by in silico analysis. Since supporting evidence is limited at this time, the clinical significance of this alteration remains unclear.

NM_001242896.3(DEPDC5):c.1477A>C (p.Lys493Gln)

Gene: DEPDC5 (DEP domain containing 5, GATOR1 subcomplex subunit; plus strand). Cytogenetic location: 22q12.3.
Variant type: single nucleotide variant.
Coding change: c.1477A>C on transcript NM_001242896.3 (MANE Select); coding-DNA position 1477, A replaced by C.
Protein change: p.Lys493Gln; replaces lysine 493 with glutamine.
Molecular consequence: missense variant. On other transcripts: non-coding transcript variant (5).
Genome position (GRCh38, 1-based): chr22:31,815,023, A>C. VCF-style: chr22-31815023-A-C. GRCh37 (hg19) VCF-style: chr22-32211009-A-C.
Other names: c.1477A>C, p.Lys493Gln (NM_001007188.4, NM_001136029.4, NM_001242897.2 and 7 more transcripts); c.1393A>C, p.Lys465Gln (NM_001369901.1, NM_001369902.1); short protein forms K465Q, K493Q.
Identifiers: ClinVar variation 1773475 (VCV001773475.2), dbSNP rs2519249040, ClinGen allele CA411277999.